The following is an entry in ClinVar:

NM_000310.4(PPT1):c.147A>C (p.Leu49Phe)

Gene: PPT1 (palmitoyl-protein thioesterase 1; minus strand). Cytogenetic location: 1p34.2.
Variant type: single nucleotide variant.
Coding change: c.147A>C on transcript NM_000310.4 (MANE Select); coding-DNA position 147, A replaced by C.
Protein change: p.Leu49Phe; replaces leucine 49 with phenylalanine.
Molecular consequence: missense variant. On other transcripts: intron variant (1).
Genome position (GRCh38, 1-based): chr1:40,092,485, T>G on the plus strand (A>C on the coding strand, the complement: PPT1 is on the minus strand). VCF-style: chr1-40092485-T-G. GRCh37 (hg19) VCF-style: chr1-40558157-T-G.
Other names: c.147A>C, p.Leu49Phe (NM_001363695.2); c.125-2973A>C (NM_001142604.2); short protein forms L49F.
Identifiers: ClinVar variation 533952 (VCV000533952.12), dbSNP rs781048683, ClinGen allele CA789791.

ClinVar aggregate classification (germline): Uncertain significance. Review status: criteria provided, single submitter (1 of 4 stars). 2 submissions from 2 submitters: Uncertain significance (1). 1 of the submissions does not count toward it. Last evaluated 2023-08-04.

Conditions:
Neuronal ceroid lipofuscinosis 1 (CLN1). Also called: CEROID LIPOFUSCINOSIS, NEURONAL, 1, VARIABLE AGE AT ONSET; PPT1-Related Neuronal Ceroid-Lipofuscinosis. Identifiers: Orphanet 228329, MedGen C1850451, MONDO:0009744, OMIM 256730.

Allele frequency attached by ClinVar (database versions not stated): ExAC 0.00001; TOPMed 0.00001.
gnomAD v4.1: 3 of 1,613,264 alleles (0.00019%); highest among the groups gnomAD compares: Non-Finnish European, 0.00025%; no homozygotes.

Submissions (2):

Labcorp Genetics (formerly Invitae), Labcorp
Classification: Uncertain significance for Neuronal ceroid lipofuscinosis 1. Last evaluated: 2023-08-04. Review status: criteria provided, single submitter. Criteria: Invitae Variant Classification Sherloc (09022015). Collection method: clinical testing. Allele origin: germline.
Comment: This sequence change replaces leucine, which is neutral and non-polar, with phenylalanine, which is neutral and non-polar, at codon 49 of the PPT1 protein (p.Leu49Phe). In summary, the available evidence is currently insufficient to determine the role of this variant in disease. Therefore, it has been classified as a Variant of Uncertain Significance. Advanced modeling of protein sequence and biophysical properties (such as structural, functional, and spatial information, amino acid conservation, physicochemical variation, residue mobility, and thermodynamic stability) performed at Invitae indicates that this missense variant is not expected to disrupt PPT1 protein function. ClinVar contains an entry for this variant (Variation ID: 533952). This variant has not been reported in the literature in individuals affected with PPT1-related conditions. This variant is present in population databases (rs781048683, gnomAD 0.0009%).

Natera, Inc.
Classification: Uncertain significance for Neuronal ceroid lipofuscinosis 1. Last evaluated: 2021-08-18. Review status: no assertion criteria provided. Collection method: clinical testing. Allele origin: germline. Not counted in ClinVar's aggregate classification.